The following is an entry in ClinVar:

NM_007294.4(BRCA1):c.1911T>C (p.Thr637=)

Gene: BRCA1 (BRCA1 DNA repair associated; minus strand). Cytogenetic location: 17q21.31.
Variant type: single nucleotide variant.
Coding change: c.1911T>C on transcript NM_007294.4 (MANE Select); coding-DNA position 1911, T replaced by C.
Protein change: p.Thr637=; no amino-acid change (threonine 637 retained).
Molecular consequence: synonymous variant. On other transcripts: intron variant (137).
Genome position (GRCh38, 1-based): chr17:43,093,620, A>G on the plus strand (T>C on the coding strand, the complement: BRCA1 is on the minus strand). VCF-style: chr17-43093620-A-G. GRCh37 (hg19) VCF-style: chr17-41245637-A-G.
Other names: T637T; p.T637T:ACT>ACC; c.664+1124T>C (NM_001408429.1, NM_001408442.1, NM_001408426.1 and 12 more transcripts); c.787+1124T>C (NM_001407979.1, NM_001407977.1, NM_001407982.1 and 19 more transcripts); c.646+1124T>C (NM_001408410.1, NM_001408458.1, NM_001408469.1 and 11 more transcripts); c.709+1124T>C (NM_001408415.1, NM_001408412.1, NM_001408409.1 and 2 more transcripts); c.577+1124T>C (NM_001408483.1, NM_001408481.1, NM_001408480.1 and 9 more transcripts); c.1698T>C, p.Thr566= (NM_001407571.1, NM_001407853.1, NM_001407894.1 and 9 more transcripts); and 42 more.
Identifiers: ClinVar variation 54396 (VCV000054396.43), dbSNP rs62625305, ClinGen allele CA001253.

ClinVar aggregate classification (germline): Likely benign. Review status: reviewed by expert panel (3 of 4 stars). 19 submissions from 19 submitters: Likely benign (1). 18 of the submissions do not count toward it. Last evaluated 2017-06-29.

Conditions:
Hereditary cancer-predisposing syndrome. Also called: Hereditary Cancer Syndrome; Tumor predisposition; Neoplastic Syndromes, Hereditary; Hereditary neoplastic syndrome. Identifiers: Orphanet 140162, MedGen C0027672, MeSH D009386, MONDO:0015356.
Hereditary breast ovarian cancer syndrome. Also called: Breast and ovarian cancer; BRCA1- and BRCA2-Associated Hereditary Breast and Ovarian Cancer; Hereditary breast and ovarian cancer; Hereditary breast and ovarian cancer syndrome (HBOC); Hereditary breast and ovarian cancer syndrome; Hereditary breast and/or ovarian cancer syndrome. Identifiers: Orphanet 145, MedGen C0677776, MeSH D061325, MONDO:0003582. Disease mechanism: loss of function.
Breast-ovarian cancer, familial, susceptibility to, 1 (BROVCA1). Also called: BRCA1 Hereditary Breast and Ovarian Cancer; OVARIAN CANCER, SUSCEPTIBILITY TO. Identifiers: Orphanet 145, MedGen C2676676, MONDO:0011450, OMIM 604370. Disease mechanism: loss of function.

Allele frequency attached by ClinVar (database versions not stated): gnomAD exomes 0.00012 and 0.00011; gnomAD 0.00013; TOPMed 0.00010; ExAC 0.00011.
gnomAD v4.1: 187 of 1,613,924 alleles (0.012%); highest among the groups gnomAD compares: Middle Eastern, 0.033%; no homozygotes.

Submissions (19):

Evidence-based Network for the Interpretation of Germline Mutant Alleles (ENIGMA)
Classification: Likely benign for Breast-ovarian cancer, familial, susceptibility to, 1. Last evaluated: 2017-06-29. Review status: reviewed by expert panel. Criteria: ENIGMA BRCA1/2 Classification Criteria (2017-06-29). Collection method: curation. Allele origin: germline.
Comment: Synonymous substitution variant, with low bioinformatic likelihood to result in a splicing aberration (Splicing prior probability 0.02).

Labcorp Genetics (formerly Invitae), Labcorp
Classification: Benign for Hereditary breast ovarian cancer syndrome. Last evaluated: 2026-02-03. Review status: criteria provided, single submitter. Criteria: Invitae Variant Classification Sherloc (09022015). Collection method: clinical testing. Allele origin: germline. Not counted in ClinVar's aggregate classification.

CeGaT Center for Human Genetics Tuebingen
Classification: Likely benign. Last evaluated: 2026-02-01. Review status: criteria provided, single submitter. Criteria: CeGaT Center For Human Genetics Tuebingen Variant Classification Criteria Version 2. Collection method: clinical testing. Allele origin: germline. Affected: yes. Observed: 1 variant allele. Not counted in ClinVar's aggregate classification.
Comment: BRCA1: BP4, BP7

Center for Genomic Medicine, Rigshospitalet, Copenhagen University Hospital
Classification: Likely benign. Last evaluated: 2025-03-04. Review status: criteria provided, single submitter. Criteria: ACMG Guidelines, 2015. Collection method: clinical testing. Allele origin: germline. Not counted in ClinVar's aggregate classification.

Blueprint Genetics
Classification: Likely benign. Last evaluated: 2024-11-23. Review status: criteria provided, single submitter. Criteria: ACMG Guidelines, 2015. Collection method: clinical testing. Allele origin: germline. Not counted in ClinVar's aggregate classification.

All of Us Research Program, National Institutes of Health
Classification: Likely benign for Breast-ovarian cancer, familial, susceptibility to, 1. Last evaluated: 2024-02-05. Review status: criteria provided, single submitter. Criteria: ACMG Guidelines, 2015. Collection method: clinical testing. Allele origin: germline. Inheritance: Autosomal dominant inheritance. Observed: 22 variant alleles, 22 heterozygotes. Not counted in ClinVar's aggregate classification.
Comment: This study involves interpretation of variants in research participants for the purpose of population health screening. Participant phenotype was not available at the time of variant classification. Additional details can be found in publication PMID: 35346344, PMCID: PMC8962531

Sema4
Classification: Likely benign for Hereditary cancer-predisposing syndrome. Last evaluated: 2021-08-25. Review status: criteria provided, single submitter. Criteria: Sema4 Curation Guidelines. Collection method: curation. Allele origin: germline. Not counted in ClinVar's aggregate classification.

ARUP Laboratories, Molecular Genetics and Genomics, ARUP Laboratories
Classification: Likely benign. Last evaluated: 2019-09-10. Review status: criteria provided, single submitter. Criteria: ARUP Molecular Germline Variant Investigation Process. Collection method: clinical testing. Allele origin: germline. Not counted in ClinVar's aggregate classification.

Women's Health and Genetics/Laboratory Corporation of America, LabCorp
Classification: Likely benign. Last evaluated: 2019-02-21. Review status: criteria provided, single submitter. Criteria: LabCorp Variant Classification Summary - May 2015. Collection method: clinical testing. Allele origin: germline. Not counted in ClinVar's aggregate classification.
Comment: Variant summary: BRCA1 c.1911T>C alters a non-conserved nucleotide resulting in a synonymous change. 5/5 computational tools predict no significant impact on normal splicing. In vitro splicing, assessed by mini-gene assay, shows that the variant does not impact BRCA1 splicing (Anczukow_2008). The variant allele was found at a frequency of 0.0001 in 277214 control chromosomes (gnomAD and publication), predominantly at a frequency of 0.00022 within the Non-Finnish European subpopulation in the gnomAD database. This frequency is not significantly higher than expected for a pathogenic variant in BRCA1 causing Hereditary Breast and Ovarian Cancer (0.00022 vs 0.001), allowing no conclusion about variant significance. c.1911T>C has been reported in the literature in individuals affected or at risk for Hereditary Breast and Ovarian Cancer (Zanella_2017, Caminsky_2016, DArgenio_2015, Borg_2010, Anczukow_2008, Judkins_2005). These reports do not provide unequivocal conclusions about association of the variant with Hereditary Breast and Ovarian Cancer. Co-occurrences with other pathogenic variants have been reported in the UMD database (BRCA1 c.514C>T, p.Gln172X; BRCA2 c.6033_6034delTT, p.Ser2012GlnfsX5), providing supporting evidence for a benign role. Five ClinVar submissions from clinical diagnostic laboratories and reputable databases (evaluation after 2014) cite the variant as likely benign (3x) and twice as benign. Based on the evidence outlined above, the variant was classified as likely benign.

Genetic Services Laboratory, University of Chicago
Classification: Likely benign. Last evaluated: 2018-01-25. Review status: criteria provided, single submitter. Criteria: ACMG Guidelines, 2015. Collection method: clinical testing. Allele origin: germline. Affected: no. Not counted in ClinVar's aggregate classification.

PreventionGenetics, part of Exact Sciences
Classification: Likely benign. Last evaluated: 2017-06-02. Review status: criteria provided, single submitter. Criteria: ACMG Guidelines, 2015. Collection method: clinical testing. Allele origin: germline. Not counted in ClinVar's aggregate classification.

CHEO Genetics Diagnostic Laboratory, Children's Hospital of Eastern Ontario
Classification: Benign. Last evaluated: 2017-01-18. Review status: criteria provided, single submitter. Criteria: ACMG Guidelines, 2015. Collection method: clinical testing. Allele origin: germline. Study: The Canadian Open Genetics Repository (COGR). Not counted in ClinVar's aggregate classification.

Color Diagnostics, LLC DBA Color Health
Classification: Likely benign for Hereditary cancer-predisposing syndrome. Last evaluated: 2015-07-20. Review status: criteria provided, single submitter. Criteria: ACMG Guidelines, 2015. Collection method: clinical testing. Allele origin: germline. Not counted in ClinVar's aggregate classification.

Molecular Genetics Laboratory, University of Michigan
Classification: Benign for Breast-ovarian cancer, familial, susceptibility to, 1. Last evaluated: 2014-11-03. Review status: criteria provided, single submitter. Criteria: ACMG Guidelines, 2015. Collection method: clinical testing. Allele origin: germline. Affected: yes. Not counted in ClinVar's aggregate classification.

Ambry Genetics
Classification: Likely benign for Hereditary cancer-predisposing syndrome. Last evaluated: 2014-07-01. Review status: criteria provided, single submitter. Criteria: Ambry Variant Classification Scheme 2023. Collection method: clinical testing. Allele origin: germline. Not counted in ClinVar's aggregate classification.

GeneDx
Classification: Benign. Last evaluated: 2014-02-05. Review status: criteria provided, single submitter. Criteria: GeneDx Variant Classification (06012015). Collection method: clinical testing. Allele origin: germline. Affected: yes. Not counted in ClinVar's aggregate classification.
Comment: This variant is considered likely benign or benign based on one or more of the following criteria: it is a conservative change, it occurs at a poorly conserved position in the protein, it is predicted to be benign by multiple in silico algorithms, and/or has population frequency not consistent with disease.

Counsyl
Classification: Likely benign for Breast-ovarian cancer, familial 1. Last evaluated: 2014-04-15. Review status: no assertion criteria provided. Collection method: literature only. Allele origin: unknown. Inheritance: Autosomal dominant inheritance. Not counted in ClinVar's aggregate classification.

Breast Cancer Information Core (BIC) (BRCA1)
Classification: Uncertain significance for Breast-ovarian cancer, familial 1. Last evaluated: 2010-12-17. Review status: no assertion criteria provided. Collection method: clinical testing. Allele origin: germline. Affected: yes. Observed: 1 variant allele. Not counted in ClinVar's aggregate classification.

Department of Pathology and Laboratory Medicine, Sinai Health System
Classification: Benign. Review status: no assertion criteria provided. Collection method: clinical testing. Allele origin: unknown. Affected: yes. Study: The Canadian Open Genetics Repository (COGR). Not counted in ClinVar's aggregate classification.
Comment: This variant is not expected to have clinical significance because it does not alter an amino acid residue, is not located near a splice junction and is reported as a polymorphism in one publication (Judkins 2005). In addition, it reported to co-occur with a second pathogenic variant in 2 individuals in the UMD database.

Literature cited by the submitters: PubMed 16267036 (cited by Women's Health and Genetics/Laboratory Corporation of America, LabCorp and Counsyl); PubMed 20104584 (cited by Women's Health and Genetics/Laboratory Corporation of America, LabCorp and Counsyl); PubMed 18844490 (cited by Women's Health and Genetics/Laboratory Corporation of America, LabCorp and Counsyl); PubMed 23893897 (cited by Women's Health and Genetics/Laboratory Corporation of America, LabCorp); PubMed 18273839 (cited by Women's Health and Genetics/Laboratory Corporation of America, LabCorp); PubMed 25896959 (cited by Women's Health and Genetics/Laboratory Corporation of America, LabCorp); PubMed 26898890 (cited by Women's Health and Genetics/Laboratory Corporation of America, LabCorp); PubMed 28263838 (cited by Women's Health and Genetics/Laboratory Corporation of America, LabCorp).